The following is an entry in ClinVar:

ClinVar aggregate classification (germline): Uncertain significance (1 of 4 stars; one submission).

gnomAD v4.1: 1 of 1,614,176 alleles (0.000062%); highest among the groups gnomAD compares: Non-Finnish European, 0.000085%; no homozygotes.

Submission:

Labcorp Genetics (formerly Invitae), Labcorp
Classification: Uncertain significance. Last evaluated: 2022-08-19. Review status: criteria provided, single submitter. Criteria: Invitae Variant Classification Sherloc (09022015). Collection method: clinical testing. Allele origin: germline.
Comment: In summary, the available evidence is currently insufficient to determine the role of this variant in disease. Therefore, it has been classified as a Variant of Uncertain Significance. This sequence change replaces leucine, which is neutral and non-polar, with valine, which is neutral and non-polar, at codon 13 of the TPP1 protein (p.Leu13Val). This variant is not present in population databases (gnomAD no frequency). This variant has not been reported in the literature in individuals affected with TPP1-related conditions. Advanced modeling of protein sequence and biophysical properties (such as structural, functional, and spatial information, amino acid conservation, physicochemical variation, residue mobility, and thermodynamic stability) performed at Invitae indicates that this missense variant is not expected to disrupt TPP1 protein function.

NM_000391.4(TPP1):c.37C>G (p.Leu13Val)

Gene: TPP1 (tripeptidyl peptidase 1; minus strand). Cytogenetic location: 11p15.4.
Variant type: single nucleotide variant.
Coding change: c.37C>G on transcript NM_000391.4 (MANE Select); coding-DNA position 37, C replaced by G.
Protein change: p.Leu13Val; replaces leucine 13 with valine.
Molecular consequence: missense variant.
Genome position (GRCh38, 1-based): chr11:6,619,248, G>C on the plus strand (C>G on the coding strand, the complement: TPP1 is on the minus strand). VCF-style: chr11-6619248-G-C. GRCh37 (hg19) VCF-style: chr11-6640479-G-C.
Other names: short protein forms L13V.
Identifiers: ClinVar variation 2025030 (VCV002025030.4), dbSNP rs796053445, ClinGen allele CA379477040.